The following is an entry in ClinVar:

NM_002617.4(PEX10):c.611G>C (p.Arg204Pro)

Gene: PEX10 (peroxisomal biogenesis factor 10; minus strand). Cytogenetic location: 1p36.32.
Variant type: single nucleotide variant.
Coding change: c.611G>C on transcript NM_002617.4 (MANE Select); coding-DNA position 611, G replaced by C.
Protein change: p.Arg204Pro; replaces arginine 204 with proline.
Molecular consequence: missense variant. On other transcripts: non-coding transcript variant (1).
Genome position (GRCh38, 1-based): chr1:2,406,885, C>G on the plus strand (G>C on the coding strand, the complement: PEX10 is on the minus strand). VCF-style: chr1-2406885-C-G. GRCh37 (hg19) VCF-style: chr1-2338324-C-G.
Other names: c.668G>C, p.Arg223Pro (NM_001374425.1); c.236G>C, p.Arg79Pro (NM_001374426.1); c.179G>C, p.Arg60Pro (NM_001374427.1); c.671G>C, p.Arg224Pro (NM_153818.2); short protein forms R204P, R224P, R223P, R60P, R79P.
Identifiers: ClinVar variation 1987365 (VCV001987365.1), dbSNP rs199934621, ClinGen allele CA337985747.
Genomic context (GRCh38, chr1:2,406,885, plus strand): 5'-GAGATGACCCCCAGCAGCCTGTAGCTAACACGGGCCCTCAGGTCCTCTCCGGGCAGGCTG[C>G]GGACACGGAGCTGTAAGGCAGATGGCGCCACACTCATCAGGACCCTGAGGGGATCTGGCC-3'
Protein context (NP_002608.1, residues 194-214): RLTGITYLRV[Arg204Pro]SLPGEDLRAR

ClinVar aggregate classification (germline): Uncertain significance (1 of 4 stars; one submission).

Conditions:
Peroxisome biogenesis disorder, complementation group 7 (CG7). Also called: Peroxisome biogenesis disorder, complementation group B. Identifiers: MedGen C1864399.

gnomAD v4.1: 2 of 1,608,462 alleles (0.00012%); highest among the groups gnomAD compares: African/African-American, 0.0027%; no homozygotes.

Submission:

Labcorp Genetics (formerly Invitae), Labcorp
Classification: Uncertain significance for Peroxisome biogenesis disorder, complementation group 7. Last evaluated: 2022-09-27. Review status: criteria provided, single submitter. Criteria: Invitae Variant Classification Sherloc (09022015). Collection method: clinical testing. Allele origin: germline.
Comment: This sequence change replaces arginine, which is basic and polar, with proline, which is neutral and non-polar, at codon 224 of the PEX10 protein (p.Arg224Pro). This variant is not present in population databases (gnomAD no frequency). This variant has not been reported in the literature in individuals affected with PEX10-related conditions. Algorithms developed to predict the effect of missense changes on protein structure and function (SIFT, PolyPhen-2, Align-GVGD) all suggest that this variant is likely to be tolerated. In summary, the available evidence is currently insufficient to determine the role of this variant in disease. Therefore, it has been classified as a Variant of Uncertain Significance.